The following is an entry in ClinVar:

ClinVar aggregate classification (germline): Uncertain significance (1 of 4 stars; one submission).

Conditions:
Parenti-mignot neurodevelopmental syndrome. Identifiers: MedGen C5676984, MONDO:0859249, OMIM 619873.

Submission:

3billion
Classification: Uncertain significance for Parenti-mignot neurodevelopmental syndrome. Last evaluated: 2024-07-31. Review status: criteria provided, single submitter. Criteria: ACMG Guidelines, 2015. Collection method: clinical testing. Allele origin: germline. Affected: yes.
Comment: The variant is not observed in the gnomAD v4.0.0 dataset. Predicted Consequence/Location: Missense variant In silico tool predictions suggest damaging effect of the variant on gene or gene product [REVEL: 0.60 (>=0.6, sensitivity 0.68 and specificity 0.92)]. Therefore, this variant is classified as VUS according to the recommendation of ACMG/AMP guideline.

NM_015557.3(CHD5):c.748C>A (p.Pro250Thr)

Gene: CHD5 (chromodomain helicase DNA binding protein 5; minus strand). Cytogenetic location: 1p36.31.
Variant type: single nucleotide variant.
Coding change: c.748C>A on transcript NM_015557.3 (MANE Select); coding-DNA position 748, C replaced by A.
Protein change: p.Pro250Thr; replaces proline 250 with threonine.
Molecular consequence: missense variant.
Genome position (GRCh38, 1-based): chr1:6,152,534, G>T on the plus strand (C>A on the coding strand, the complement: CHD5 is on the minus strand). VCF-style: chr1-6152534-G-T. GRCh37 (hg19) VCF-style: chr1-6212594-G-T.
Other names: short protein forms P250T.
Identifiers: ClinVar variation 4291766 (VCV004291766.1).